The following is an entry in ClinVar:

NM_020975.6(RET):c.121T>C (p.Tyr41His)

Gene: RET (ret proto-oncogene; plus strand). Cytogenetic location: 10q11.21.
Variant type: single nucleotide variant.
Coding change: c.121T>C on transcript NM_020975.6 (MANE Select); coding-DNA position 121, T replaced by C.
Protein change: p.Tyr41His; replaces tyrosine 41 with histidine.
Molecular consequence: missense variant. On other transcripts: intron variant (4).
Genome position (GRCh38, 1-based): chr10:43,100,506, T>C. VCF-style: chr10-43100506-T-C. GRCh37 (hg19) VCF-style: chr10-43595954-T-C.
Other names: c.121T>C, p.Tyr41His (NM_001406743.1, NM_001406744.1, NM_001406759.1 and 32 more transcripts); c.74-8525T>C (NM_001406784.1); c.74-11593T>C (NM_001406794.1, NM_001406792.1, NM_001406793.1); short protein forms Y41H.
Identifiers: ClinVar variation 3788353 (VCV003788353.2).
Genomic context (GRCh38, chr10:43,100,506, plus strand): 5'-CTACTTCCCACAGTGGCATTGGGCCTCTACTTCTCGAGGGATGCTTACTGGGAGAAGCTG[T>C]ATGTGGACCAGGCAGCCGGCACGCCCTTGCTGTACGTCCATGCCCTGCGGGACGCCCCTG-3'
Protein context (NP_066124.1, residues 31-51): FSRDAYWEKL[Tyr41His]VDQAAGTPLL

ClinVar aggregate classification (germline): Uncertain significance. Review status: criteria provided, multiple submitters, no conflicts (2 of 4 stars). 2 submissions from 2 submitters: Uncertain significance (2). Last evaluated 2025-05-20.

Conditions:
Hereditary cancer-predisposing syndrome. Also called: Neoplastic Syndromes, Hereditary; Hereditary Cancer Syndrome; Tumor predisposition; Hereditary neoplastic syndrome. Identifiers: Orphanet 140162, MedGen C0027672, MeSH D009386, MONDO:0015356.
Multiple endocrine neoplasia, type 2 (MEN2). Identifiers: Orphanet 653, MedGen C4048306, MONDO:0019003. Disease mechanism: gain of function.

Submissions (2):

Color Diagnostics, LLC DBA Color Health
Classification: Uncertain significance for Multiple endocrine neoplasia, type 2. Last evaluated: 2025-05-20. Review status: criteria provided, single submitter. Criteria: ACMG Guidelines, 2015. Collection method: clinical testing. Allele origin: germline.
Comment: This missense variant replaces tyrosine with histidine at codon 41 of the RET protein. Computational prediction is inconclusive regarding the impact of this variant on protein structure and function. To our knowledge, functional studies have not been reported for this variant. This variant has not been reported in individuals affected with RET-related disorders in the literature. This variant has not been identified in the general population by the Genome Aggregation Database (gnomAD). The available evidence is insufficient to determine the role of this variant in disease conclusively. Therefore, this variant is classified as a Variant of Uncertain Significance.

Ambry Genetics
Classification: Uncertain significance for Hereditary cancer-predisposing syndrome. Last evaluated: 2025-03-08. Review status: criteria provided, single submitter. Criteria: Ambry Variant Classification Scheme 2023. Collection method: clinical testing. Allele origin: germline.
Comment: The p.Y41H variant (also known as c.121T>C), located in coding exon 2 of the RET gene, results from a T to C substitution at nucleotide position 121. The tyrosine at codon 41 is replaced by histidine, an amino acid with similar properties. This amino acid position is conserved. In addition, this alteration is predicted to be deleterious by in silico analysis. Based on the available evidence, the clinical significance of this variant remains unclear.